The following is an entry in ClinVar:

ClinVar aggregate classification (germline): Uncertain significance (0 of 4 stars; one submission).

Conditions:
PLXNA3-related disorder. Also called: PLXNA3-related condition.

gnomAD v4.1: 4 of 1,211,350 alleles (0.00033%); highest among the groups gnomAD compares: South Asian, 0.0018%; no homozygotes.

Submission:

PreventionGenetics, part of Exact Sciences
Classification: Uncertain significance for PLXNA3-related condition. Last evaluated: 2023-12-08. Review status: no assertion criteria provided. Collection method: clinical testing. Allele origin: germline.
Comment: The PLXNA3 c.1862C>T variant is predicted to result in the amino acid substitution p.Ser621Phe. To our knowledge, this variant has not been reported in the literature. This variant is reported in 0.0052% of alleles in individuals of South Asian descent in gnomAD. At this time, the clinical significance of this variant is uncertain due to the absence of conclusive functional and genetic evidence.

NM_017514.5(PLXNA3):c.1862C>T (p.Ser621Phe)

Gene: PLXNA3 (plexin A3; plus strand). Cytogenetic location: Xq28.
Variant type: single nucleotide variant.
Coding change: c.1862C>T on transcript NM_017514.5 (MANE Select); coding-DNA position 1862, C replaced by T.
Protein change: p.Ser621Phe; replaces serine 621 with phenylalanine.
Molecular consequence: missense variant.
Genome position (GRCh38, 1-based): chrX:154,464,435, C>T. VCF-style: chrX-154464435-C-T. GRCh37 (hg19) VCF-style: chrX-153692778-C-T.
Other names: short protein forms S621F.
Identifiers: ClinVar variation 3349483 (VCV003349483.1).